The following is an entry in ClinVar:

ClinVar aggregate classification (germline): Uncertain significance (1 of 4 stars; one submission).

Submission:

GeneDx
Classification: Uncertain significance. Last evaluated: 2023-06-04. Review status: criteria provided, single submitter. Criteria: GeneDx Variant Classification Process June 2021. Collection method: clinical testing. Allele origin: germline. Affected: yes.
Comment: Not observed at significant frequency in large population cohorts (gnomAD); In silico analysis supports that this missense variant does not alter protein structure/function; Has not been previously published as pathogenic or benign to our knowledge; Also known as p.(L205S)

NM_001243133.2(NLRP3):c.614T>C (p.Leu205Ser)

Gene: NLRP3 (NLR family pyrin domain containing 3; plus strand). Cytogenetic location: 1q44.
Variant type: single nucleotide variant.
Coding change: c.614T>C on transcript NM_001243133.2 (MANE Select); coding-DNA position 614, T replaced by C.
Protein change: p.Leu205Ser; replaces leucine 205 with serine.
Molecular consequence: missense variant.
Genome position (GRCh38, 1-based): chr1:247,424,063, T>C. VCF-style: chr1-247424063-T-C. GRCh37 (hg19) VCF-style: chr1-247587365-T-C.
Other names: c.614T>C, p.Leu205Ser (NM_001079821.3, NM_001127461.3, NM_001127462.3 and 1 more transcripts); c.620T>C, p.Leu207Ser (NM_004895.5); short protein forms L205S, L207S.
Identifiers: ClinVar variation 3338708 (VCV003338708.1).